The following is an entry in ClinVar:

NM_003839.4(TNFRSF11A):c.1549G>A (p.Gly517Ser)

Gene: TNFRSF11A (TNF receptor superfamily member 11a; plus strand). Cytogenetic location: 18q21.33.
Variant type: single nucleotide variant.
Coding change: c.1549G>A on transcript NM_003839.4 (MANE Select); coding-DNA position 1549, G replaced by A.
Protein change: p.Gly517Ser; replaces glycine 517 with serine.
Molecular consequence: missense variant. On other transcripts: intron variant (3).
Genome position (GRCh38, 1-based): chr18:62,369,466, G>A. VCF-style: chr18-62369466-G-A. GRCh37 (hg19) VCF-style: chr18-60036699-G-A.
Other names: c.1507G>A, p.Gly503Ser (NM_001278268.2); c.783+2706G>A (NM_001270949.2); c.730+7673G>A (NM_001270950.2); c.616+9417G>A (NM_001270951.2); short protein forms G503S, G517S.
Identifiers: ClinVar variation 3606002 (VCV003606002.2).

ClinVar aggregate classification (germline): Uncertain significance (1 of 4 stars; one submission).

Submission:

Labcorp Genetics (formerly Invitae), Labcorp
Classification: Uncertain significance. Last evaluated: 2024-10-03. Review status: criteria provided, single submitter. Criteria: Invitae Variant Classification Sherloc (09022015). Collection method: clinical testing. Allele origin: germline.
Comment: This sequence change replaces glycine, which is neutral and non-polar, with serine, which is neutral and polar, at codon 517 of the TNFRSF11A protein (p.Gly517Ser). This variant is present in population databases (rs781472170, gnomAD 0.02%). This variant has not been reported in the literature in individuals affected with TNFRSF11A-related conditions. An algorithm developed to predict the effect of missense changes on protein structure and function (PolyPhen-2) suggests that this variant is likely to be tolerated. In summary, the available evidence is currently insufficient to determine the role of this variant in disease. Therefore, it has been classified as a Variant of Uncertain Significance.